The following is an entry in ClinVar:

ClinVar aggregate classification (germline): Conflicting classifications of pathogenicity. Review status: criteria provided, conflicting classifications (1 of 4 stars). 13 submissions from 12 submitters: Uncertain significance (2); Benign (2); Likely benign (3). 6 of the submissions do not count toward it. Last evaluated 2026-02-03.

Conditions:
NEBL-related disorder. Also called: NEBL-related condition.
Primary dilated cardiomyopathy (DCM). Also called: Dilated Cardiomyopathy. Identifiers: Orphanet 217604, MedGen C0007193, MeSH D002311, MONDO:0005021, HP:0001644. Inheritance: Various modes of inheritance.
Hypertrophic cardiomyopathy. Also called: HYPERTROPHIC MYOCARDIOPATHY. Identifiers: Orphanet 217569, MedGen C0007194, MeSH D002312, MONDO:0005045, HP:0001639.
Sudden unexplained death. Identifiers: MedGen C0520806.
Sudden unexpected death in epilepsy. Identifiers: MedGen C4304727, HP:0033258.
Long QT syndrome (LQTS). Identifiers: MedGen C0023976, MeSH D008133, MONDO:0002442. Disease mechanism: loss of function. Inheritance: Various modes of inheritance.
Distal monosomy 10p. Also called: DiGeorge syndrome/velocardiofacial syndrome complex 2. Identifiers: Orphanet 1580, MedGen C1832431, MONDO:0011055, OMIM 601362. Disease mechanism: loss of function.

Allele frequency attached by ClinVar (database versions not stated): 1000 Genomes Project 0.00060; 1000 Genomes Project 30x 0.00094; gnomAD exomes 0.00126; ExAC 0.00130; ESP Exome Variant Server 0.00131; gnomAD 0.00154; TOPMed 0.00157.
gnomAD v4.1: 2,956 of 1,598,200 alleles (0.18%); highest among the groups gnomAD compares: Non-Finnish European, 0.23%; 13 homozygotes.

Submissions (13):

Labcorp Genetics (formerly Invitae), Labcorp
Classification: Likely benign for Primary dilated cardiomyopathy. Last evaluated: 2026-02-03. Review status: criteria provided, single submitter. Criteria: Invitae Variant Classification Sherloc (09022015). Collection method: clinical testing. Allele origin: germline.

Blueprint Genetics
Classification: Uncertain significance. Last evaluated: 2024-11-27. Review status: criteria provided, single submitter. Criteria: ACMG Guidelines, 2015. Collection method: clinical testing. Allele origin: germline.

Women's Health and Genetics/Laboratory Corporation of America, LabCorp
Classification: Benign. Last evaluated: 2023-10-30. Review status: criteria provided, single submitter. Criteria: LabCorp Variant Classification Summary - May 2015. Collection method: clinical testing. Allele origin: germline.
Comment: Variant summary: NEBL c.267C>G (p.Tyr89X) results in a premature termination codon, predicted to cause a truncation of the encoded protein or absence of the protein due to nonsense mediated decay, however current evidence is not sufficient to establish loss-of-function variants in NEBL as causative of disease. The variant allele was found at a frequency of 0.0013 in 249424 control chromosomes (gnomAD). The observed variant frequency is approximately 162-fold of the estimated maximal expected allele frequency for a pathogenic variant in NEBL causing Dilated Cardiomyopathy phenotype (7.8e-06), strongly suggesting that the variant is benign. c.267C>G has been reported in the literature in an individual affected with Dilated Cardiomyopathy and an individual with Restrictive Cardiomyopathy, both of whom had variants considered to be likely pathogenic/pathogenic reported in other cardiac-related genes, providing supporting evidence for a benign role (e.g. Kostareva_2016, Forleo_2017). To our knowledge, no experimental evidence demonstrating an impact on protein function has been reported. The following publications have been ascertained in the context of this evaluation (PMID: 28750076, 27662471, 33762593). Six submitters have cited clinical-significance assessments for this variant to ClinVar after 2014. Four submitters classified the variant as benign/likely benign and two classified it as uncertain significance. Based on the evidence outlined above, the variant was classified as benign.

GeneDx
Classification: Likely benign. Last evaluated: 2021-09-07. Review status: criteria provided, single submitter. Criteria: GeneDx Variant Classification Process June 2021. Collection method: clinical testing. Allele origin: germline. Affected: yes.
Comment: This variant is associated with the following publications: (PMID: 27662471)

Victorian Clinical Genetics Services, Murdoch Childrens Research Institute
Classification: Likely benign for Primary dilated cardiomyopathy. Last evaluated: 2021-05-06. Review status: criteria provided, single submitter. Criteria: ACMG Guidelines, 2015. Collection method: clinical testing. Allele origin: germline. Inheritance: Autosomal dominant inheritance.
Comment: Based on the classification scheme VCGS_Germline_v1.3.3, this variant is classified as Likely benign. Following criteria are met: 0105 - The mechanism of disease for this gene is not clearly established. However, loss of function is an unlikely mechanism of disease, as null mouse models have normal cardiac function (PMID: 25987543). (I) 0107 - This gene is associated with autosomal dominant disease (PMID: 27186169). (I) 0201 - Variant is predicted to cause nonsense-mediated decay (NMD) and loss of protein (premature termination codon is located at least 54 nucleotides upstream of the final exon-exon junction). (SP) 0219 - This variant is non-coding in an alternative transcript, which is the longest (NCBI, UCSC). (I) 0251 - This variant is heterozygous. (I) 0308 - Population frequency for this variant is out of keeping with known incidence of dilated cardiomyopathy (gnomAD v3; 202 heterozygotes, 5 homozygotes). (SB) 0710 - Other NMD-predicted variants comparable to the one identified in this case have inconclusive previous evidence for pathogenicity. These variants have been reported mostly as VUS (ClinVar). (I) 0808 - Previous reports of pathogenicity for this variant are conflicting. This variant has been observed in several patients within cardiac disease cohorts, but has been classified as likely benign, benign and as a VUS (ClinVar, PMID: 27662471, PMID: 28750076). (I) 0905 - No published segregation evidence has been identified for this variant. (I) 1007 - No published functional evidence has been identified for this variant. (I) 1208 - Inheritance information for this variant is not currently available in this individual. (I) Legend: (SP) - Supporting pathogenic, (I) - Information, (SB) - Supporting benign

Laboratory for Molecular Medicine, Mass General Brigham Personalized Medicine
Classification: Uncertain significance. Last evaluated: 2019-01-18. Review status: criteria provided, single submitter. Criteria: LMM Criteria. Collection method: clinical testing. Allele origin: germline. Observed: 5 variant alleles.
Comment: Variant classified as Uncertain Significance - Favor Benign. The p.Tyr89X varian t in NEBL has been identified in 2 individuals with HCM and 1 individual with LV H (LMM data). It has also been identified in 0.24% (305/128294) of European chro mosomes by by gnomAD. This nonsense variant l eads to a premature termination codon at position 89, which is predicted to lead to a truncated or absent protein; however, this variant does not occur in all t ranscripts of the gene. In addition, the association of variants in NEBL with ca rdiomyopathy has not been clearly established. In summary, while the clinical si gnificance of the p.Tyr89X variant is uncertain, its frequency suggests that it is more likely to be benign. ACMG/AMP Criteria applied: BS1_Supporting.

Agnes Ginges Centre for Molecular Cardiology, Centenary Institute
Classification: Benign for long QT syndrome; hypertrophic cardiomyopathy; sudden unexplained death in epilepsy; sudden unexplained death. Last evaluated: 2018-06-12. Review status: criteria provided, single submitter. Criteria: ACMG Guidelines, 2015. Collection method: research. Allele origin: germline. Affected: yes.
Comment: This variant has been identified in 4 probands with different clinical presentations (Long QT syndrome, hypertrophic cardiomyopathy, sudden unexplained death in epilepsy and sudden unxeplained death in a young person) which suggests that this variant is an incidental finding. Furthermore the variant is present in the Genome Aggregation Database at an allele frequency of 0.00128, which is much higher then the frequency of any inherited cardiac condition, therefore we classify NEBL p.Tyr89Ter as 'benign'.

Molecular Genetics Laboratory, Biobizkaia Health Research Institute
Classification: Uncertain significance for DiGeorge syndrome type 2. Last evaluated: 2024-03-08. Review status: no assertion criteria provided. Collection method: clinical testing. Allele origin: germline. Not counted in ClinVar's aggregate classification.

PreventionGenetics, part of Exact Sciences
Classification: Likely benign for NEBL-related condition. Last evaluated: 2022-01-16. Review status: no assertion criteria provided. Collection method: clinical testing. Allele origin: germline. Not counted in ClinVar's aggregate classification.
Comment: This variant is classified as likely benign based on ACMG/AMP sequence variant interpretation guidelines (Richards et al. 2015 PMID: 25741868, with internal and published modifications).

Agnes Ginges Centre for Molecular Cardiology, Centenary Institute
Classification: Benign for Hypertrophic cardiomyopathy. Last evaluated: 2019-11-28. Review status: no assertion criteria provided. Collection method: research. Allele origin: germline. Inheritance: Autosomal unknown. Affected: yes. Not counted in ClinVar's aggregate classification.
Comment: The NEBL Tyr89Ter variant if found at a high allele frequency in the the Genome Aggregation Database (MAF=0.0013). Based on high allele frequencies in the general population and our familial data, we classify NEBL Tyr89Ter as "benign".

Clinical Genetics DNA and cytogenetics Diagnostics Lab, Erasmus MC, Erasmus Medical Center
Classification: Likely benign. Review status: no assertion criteria provided. Collection method: clinical testing. Allele origin: germline. Affected: yes. Study: VKGL Data-share Consensus. Not counted in ClinVar's aggregate classification.

Diagnostic Laboratory, Department of Genetics, University Medical Center Groningen
Classification: Likely benign. Review status: no assertion criteria provided. Collection method: clinical testing. Allele origin: germline. Affected: yes. Study: VKGL Data-share Consensus. Not counted in ClinVar's aggregate classification.

Genome Diagnostics Laboratory, University Medical Center Utrecht
Classification: Likely benign. Review status: no assertion criteria provided. Collection method: clinical testing. Allele origin: germline. Affected: yes. Study: VKGL Data-share Consensus. Not counted in ClinVar's aggregate classification.

Literature cited by the submitters: PubMed 27662471 (cited by Women's Health and Genetics/Laboratory Corporation of America, LabCorp and Victorian Clinical Genetics Services, Murdoch Childrens Research Institute); PubMed 28750076 (cited by Women's Health and Genetics/Laboratory Corporation of America, LabCorp and Victorian Clinical Genetics Services, Murdoch Childrens Research Institute); PubMed 33762593 (cited by Women's Health and Genetics/Laboratory Corporation of America, LabCorp); PubMed 25987543 (cited by Victorian Clinical Genetics Services, Murdoch Childrens Research Institute); PubMed 27186169 (cited by Victorian Clinical Genetics Services, Murdoch Childrens Research Institute).

NM_006393.3(NEBL):c.267C>G (p.Tyr89Ter)

Gene: NEBL (nebulette; minus strand). Cytogenetic location: 10p12.31.
Variant type: single nucleotide variant.
Coding change: c.267C>G on transcript NM_006393.3 (MANE Select); coding-DNA position 267, C replaced by G.
Protein change: p.Tyr89Ter; replaces tyrosine 89 with a stop codon.
Molecular consequence: nonsense. On other transcripts: intron variant (9).
Genome position (GRCh38, 1-based): chr10:20,888,199, G>C on the plus strand (C>G on the coding strand, the complement: NEBL is on the minus strand). VCF-style: chr10-20888199-G-C. GRCh37 (hg19) VCF-style: chr10-21177128-G-C.
Other names: p.Y89*:TAC>TAG; c.249+73473C>G (NM_001377326.1, NM_001377327.1, NM_001377328.1); c.357+73473C>G (NM_213569.2, NM_001173484.2, NM_001377322.1); c.300+73473C>G (NM_001377324.1); c.291+73473C>G (NM_001377325.1); c.309+73473C>G (NM_001377323.1); short protein forms Y89*.
Identifiers: ClinVar variation 178101 (VCV000178101.31), dbSNP rs147622517, ClinGen allele CA181403.